The following is an entry in ClinVar:

NM_001130823.3(DNMT1):c.1749C>T (p.Ala583=)

Gene: DNMT1 (DNA methyltransferase 1; minus strand). Cytogenetic location: 19p13.2.
Variant type: single nucleotide variant.
Coding change: c.1749C>T on transcript NM_001130823.3 (MANE Select); coding-DNA position 1749, C replaced by T.
Protein change: p.Ala583=; no amino-acid change (alanine 583 retained).
Molecular consequence: synonymous variant.
Genome position (GRCh38, 1-based): chr19:10,154,669, G>A on the plus strand (C>T on the coding strand, the complement: DNMT1 is on the minus strand). VCF-style: chr19-10154669-G-A. GRCh37 (hg19) VCF-style: chr19-10265345-G-A.
Other names: c.1749C>T (NM_001130823.2); c.1701C>T, p.Ala567= (NM_001318730.2, NM_001379.4); c.1386C>T, p.Ala462= (NM_001318731.2).
Identifiers: ClinVar variation 701913 (VCV000701913.37), dbSNP rs569985466, ClinGen allele CA9188233.

ClinVar aggregate classification (germline): Likely benign. Review status: criteria provided, multiple submitters, no conflicts (2 of 4 stars). 5 submissions from 5 submitters: Likely benign (5). Last evaluated 2025-11-24.

Conditions:
DNMT1-related disorder. Also called: DNMT1-related condition. Identifiers: MedGen CN381527.
Hereditary sensory neuropathy-deafness-dementia syndrome. Also called: NEUROPATHY, HEREDITARY SENSORY, WITH HEARING LOSS AND DEMENTIA; HSN IE; Hereditary Sensory and Autonomic Neuropathy Type 1E (HSAN1E); Hereditary sensory neuropathy type IE. Identifiers: Orphanet 456318, MedGen C3279885, MONDO:0013584, OMIM 614116.

Allele frequency attached by ClinVar (database versions not stated): ExAC 0.00007; gnomAD 0.00009; TOPMed 0.00014; 1000 Genomes Project 30x 0.00016; 1000 Genomes Project 0.00020.
gnomAD v4.1: 87 of 1,614,166 alleles (0.0054%); highest among the groups gnomAD compares: Admixed American, 0.022%; no homozygotes.

Submissions (5):

PreventionGenetics, part of Exact Sciences
Classification: Likely benign for DNMT1-related condition. Last evaluated: 2025-11-24. Review status: criteria provided, single submitter. Criteria: ACMG Guidelines, 2015. Collection method: clinical testing. Allele origin: germline.
Comment: This variant is classified as likely benign based on ACMG/AMP sequence variant interpretation guidelines (Richards et al. 2015 PMID: 25741868, with internal and published modifications).

Labcorp Genetics (formerly Invitae), Labcorp
Classification: Likely benign for Hereditary sensory neuropathy-deafness-dementia syndrome. Last evaluated: 2025-09-08. Review status: criteria provided, single submitter. Criteria: Invitae Variant Classification Sherloc (09022015). Collection method: clinical testing. Allele origin: germline.

CeGaT Center for Human Genetics Tuebingen
Classification: Likely benign. Last evaluated: 2023-06-01. Review status: criteria provided, single submitter. Criteria: CeGaT Center For Human Genetics Tuebingen Variant Classification Criteria Version 2. Collection method: clinical testing. Allele origin: germline. Affected: yes. Observed: 1 variant allele.
Comment: DNMT1: BP4, BP7

Blueprint Genetics
Classification: Likely benign. Last evaluated: 2022-10-25. Review status: criteria provided, single submitter. Criteria: ACMG Guidelines, 2015. Collection method: clinical testing. Allele origin: germline.

GeneDx
Classification: Likely benign. Last evaluated: 2021-01-11. Review status: criteria provided, single submitter. Criteria: GeneDx Variant Classification Process June 2021. Collection method: clinical testing. Allele origin: germline. Affected: yes.